The following is an entry in ClinVar:

NM_006206.6(PDGFRA):c.448del (p.Cys150fs)

Gene: PDGFRA (platelet derived growth factor receptor alpha; plus strand). Cytogenetic location: 4q12.
Variant type: Deletion.
Coding change: c.448del on transcript NM_006206.6 (MANE Select); coding-DNA position 448, one base deleted (T; older notation c.448delT).
Protein change: p.Cys150fs; shifts the reading frame from cysteine 150.
Molecular consequence: frameshift variant.
Genome position (GRCh38, 1-based): chr4:54,263,747, T deleted; the last of 2 consecutive T bases (chr4:54,263,746-54,263,747); deleting either gives the same sequence. VCF-style (leftmost placement, unchanged base first): chr4-54263745-CT-C. GRCh37 (hg19) VCF-style: chr4-55129912-CT-C.
Other names: c.448del, p.Cys150fs (NM_001347827.2, NM_001347829.2); c.523del, p.Cys175fs (NM_001347828.2); c.487del, p.Cys163fs (NM_001347830.2); short protein forms C150fs, C163fs, C175fs.
Identifiers: ClinVar variation 3643882 (VCV003643882.2).
Genomic context (GRCh38, chr4:54,263,745, plus strand): 5'-TACCTCTAGGAATGACGGATTATTTAGTCATCGTGGAGGATGATGATTCTGCCATTATAC[CT>C]TGTCGCACAACTGATCCCGAGACTCCTGTAACCTTACACAACAGTGAGGGGGTGGTACCT-3'

ClinVar aggregate classification (germline): Uncertain significance (1 of 4 stars; one submission).

Conditions:
Gastrointestinal stromal tumor. Also called: Gastrointestinal stromal tumor, somatic; Gastrointestinal stroma tumor. Identifiers: Orphanet 44890, MedGen C0238198, MeSH D046152, MONDO:0011719, OMIM 606764, HP:0100723.

Submission:

Labcorp Genetics (formerly Invitae), Labcorp
Classification: Uncertain significance for Gastrointestinal stromal tumor. Last evaluated: 2024-03-01. Review status: criteria provided, single submitter. Criteria: Invitae Variant Classification Sherloc (09022015). Collection method: clinical testing. Allele origin: germline.
Comment: This sequence change creates a premature translational stop signal (p.Cys150Valfs*10) in the PDGFRA gene. It is expected to result in an absent or disrupted protein product. However, the current clinical and genetic evidence is not sufficient to establish whether loss-of-function variants in PDGFRA cause disease. This variant is not present in population databases (gnomAD no frequency). This variant has not been reported in the literature in individuals affected with PDGFRA-related conditions. In summary, the available evidence is currently insufficient to determine the role of this variant in disease. Therefore, it has been classified as a Variant of Uncertain Significance.